The following is an entry in ClinVar:

ClinVar aggregate classification (germline): Pathogenic (1 of 4 stars; one submission).

Conditions:
Cardiovascular phenotype. Identifiers: MedGen CN230736.
Hereditary cancer-predisposing syndrome. Also called: Hereditary Cancer Syndrome; Hereditary neoplastic syndrome; Neoplastic Syndromes, Hereditary; Tumor predisposition. Identifiers: Orphanet 140162, MedGen C0027672, MeSH D009386, MONDO:0015356.

Submission:

Ambry Genetics
Classification: Pathogenic for Cardiovascular phenotype; Hereditary cancer-predisposing syndrome. Last evaluated: 2022-09-13. Review status: criteria provided, single submitter. Criteria: Ambry Variant Classification Scheme 2023. Collection method: clinical testing. Allele origin: germline.
Comment: The c.5504delA pathogenic mutation, located in coding exon 37 of the NF1 gene, results from a deletion of one nucleotide at nucleotide position 5504, causing a translational frameshift with a predicted alternate stop codon (p.N1835Ifs*7). This alteration is expected to result in loss of function by premature protein truncation or nonsense-mediated mRNA decay. As such, this alteration is interpreted as a disease-causing mutation.

NM_001042492.3(NF1):c.5567del (p.Asn1856fs)

Gene: NF1 (neurofibromin 1; plus strand). Cytogenetic location: 17q11.2.
Variant type: Deletion.
Coding change: c.5567del on transcript NM_001042492.3 (MANE Select); coding-DNA position 5567, one base deleted (A; older notation c.5567delA).
Protein change: p.Asn1856fs; shifts the reading frame from asparagine 1856.
Molecular consequence: frameshift variant.
Genome position (GRCh38, 1-based): chr17:31,327,797, A deleted; the last of 2 consecutive A bases (chr17:31,327,796-31,327,797); deleting either gives the same sequence. VCF-style (leftmost placement, unchanged base first): chr17-31327795-CA-C. GRCh37 (hg19) VCF-style: chr17-29654813-CA-C.
Other names: c.5504delA (NM_000267.3); c.5504delA, p.Asn1835Ilefs (NM_000267.4); short protein forms N1835fs, N1856fs.
Identifiers: ClinVar variation 1747999 (VCV001747999.2), dbSNP rs2508708204, ClinGen allele CA2580093338.